The following is an entry in ClinVar:

ClinVar aggregate classification (germline): Uncertain significance. Review status: criteria provided, multiple submitters, no conflicts (2 of 4 stars). 5 submissions from 5 submitters: Uncertain significance (4). 1 of the submissions does not count toward it. Last evaluated 2025-10-27.

Conditions:
Mitochondrial DNA deletion syndrome with progressive myopathy. Also called: PROGRESSIVE EXTERNAL OPHTHALMOPLEGIA, AUTOSOMAL DOMINANT 6; Progressive external ophthalmoplegia with mitochondrial DNA deletions, autosomal dominant 6. Identifiers: Orphanet 352470, MedGen C3554599, MONDO:0014062, OMIM 615156.
Inborn genetic diseases. Identifiers: MedGen C0950123, MeSH D030342.

Allele frequency attached by ClinVar (database versions not stated): gnomAD 0.00006 and 0.00007; ExAC 0.00002; gnomAD exomes 0.00004; TOPMed 0.00004.
gnomAD v4.1: 67 of 1,613,588 alleles (0.0042%); highest among the groups gnomAD compares: Non-Finnish European, 0.0053%; no homozygotes.

Submissions (5):

Labcorp Genetics (formerly Invitae), Labcorp
Classification: Uncertain significance. Last evaluated: 2025-10-27. Review status: criteria provided, single submitter. Criteria: Invitae Variant Classification Sherloc (09022015). Collection method: clinical testing. Allele origin: germline.
Comment: This sequence change replaces valine, which is neutral and non-polar, with isoleucine, which is neutral and non-polar, at codon 637 of the DNA2 protein (p.Val637Ile). This variant is present in population databases (rs746522359, gnomAD 0.01%). This missense change has been observed in individual(s) with autosomal dominant progressive external ophthalmoplegia (PMID: 23352259). This variant is also known as c.2167G>A (p.Val723Ile). ClinVar contains an entry for this variant (Variation ID: 41479). Invitae Evidence Modeling of protein sequence and biophysical properties (such as structural, functional, and spatial information, amino acid conservation, physicochemical variation, residue mobility, and thermodynamic stability) indicates that this missense variant is not expected to disrupt DNA2 protein function with a negative predictive value of 80%. Experimental studies have shown that this missense change affects DNA2 function (PMID: 23352259). In summary, the available evidence is currently insufficient to determine the role of this variant in disease. Therefore, it has been classified as a Variant of Uncertain Significance.

Women's Health and Genetics/Laboratory Corporation of America, LabCorp
Classification: Uncertain significance. Last evaluated: 2023-04-14. Review status: criteria provided, single submitter. Criteria: LabCorp Variant Classification Summary - May 2015. Collection method: clinical testing. Allele origin: germline.
Comment: Variant summary: DNA2 c.1909G>A (p.Val637Ile) results in a conservative amino acid change located in the DNA replication ATP-dependent helicase/nuclease Dna2/JHS1, DEXXQ-box helicase domain of the encoded protein sequence. Four of five in-silico tools predict a damaging effect of the variant on protein function. The variant allele was found at a frequency of 3.6e-05 (9/248930 control chromosomes). c.1909G>A has been reported in the literature in an individual with adult-onset mitochondrial disease that consisted of ptosis and progressive myopathy (Ronchi_2013). Experimental evidence has shown the variant to lead to defective nuclease activity (30% compared to the WT protein), enhanced helicase activity, with no difference observed in ATPase activity (Ronchi_2013). Two clinical diagnostic laboratories have submitted clinical-significance assessments for this variant to ClinVar after 2014 without evidence for independent evaluation. All laboratories classified the variant as uncertain significance. Based on the evidence outlined above, the variant was classified as VUS-possibly pathogenic.

Ambry Genetics
Classification: Uncertain significance for Inborn genetic diseases. Last evaluated: 2022-05-06. Review status: criteria provided, single submitter. Criteria: Ambry Variant Classification Scheme 2023. Collection method: clinical testing. Allele origin: germline.

GeneDx
Classification: Uncertain significance. Last evaluated: 2020-05-29. Review status: criteria provided, single submitter. Criteria: GeneDx Variant Classification Process June 2021. Collection method: clinical testing. Allele origin: germline. Affected: yes.
Comment: Reported (as V723I using alternate nomenclature) in an individual with adult-onset progressive myopathy, ophthalmoplegia, and ptosis, but familial segregation information was not provided (Ronchi et al., 2013); Published functional studies demonstrate a damaging effect: reduced nuclease activity (Ronchi et al., 2013); This variant is associated with the following publications: (PMID: 23352259)

OMIM
Classification: Pathogenic for PROGRESSIVE EXTERNAL OPHTHALMOPLEGIA WITH MITOCHONDRIAL DNA DELETIONS, AUTOSOMAL DOMINANT 6. Last evaluated: 2013-02-07. Review status: no assertion criteria provided. Collection method: literature only. Allele origin: germline. Not counted in ClinVar's aggregate classification.

Literature cited by the submitters: PubMed 23352259 (cited by 3 submitters); PubMed 31478350 (cited by Ambry Genetics).

NM_001080449.3(DNA2):c.1909G>A (p.Val637Ile)

Gene: DNA2 (DNA replication helicase/nuclease 2; minus strand). Cytogenetic location: 10q21.3.
Variant type: single nucleotide variant.
Coding change: c.1909G>A on transcript NM_001080449.3 (MANE Select); coding-DNA position 1909, G replaced by A.
Protein change: p.Val637Ile; replaces valine 637 with isoleucine.
Molecular consequence: missense variant. On other transcripts: non-coding transcript variant (1).
Genome position (GRCh38, 1-based): chr10:68,431,936, C>T on the plus strand (G>A on the coding strand, the complement: DNA2 is on the minus strand). VCF-style: chr10-68431936-C-T. GRCh37 (hg19) VCF-style: chr10-70191693-C-T.
Other names: V723I; short protein forms V637I.
Identifiers: ClinVar variation 41479 (VCV000041479.10), dbSNP rs746522359, ClinGen allele CA5524940.